The following is an entry in ClinVar:

ClinVar aggregate classification (germline): Uncertain significance (1 of 4 stars; one submission).

gnomAD v4.1: 1 of 1,167,847 alleles (0.000086%); highest among the groups gnomAD compares: Non-Finnish European, 0.00011%; no homozygotes.

Submission:

GeneDx
Classification: Uncertain significance. Last evaluated: 2024-10-10. Review status: criteria provided, single submitter. Criteria: GeneDx Variant Classification Process June 2021. Collection method: clinical testing. Allele origin: germline. Affected: yes.
Comment: Not observed at significant frequency in large population cohorts (gnomAD); In silico analysis indicates that this missense variant does not alter protein structure/function; Has not been previously published as pathogenic or benign to our knowledge

NM_031206.7(LAS1L):c.2143G>A (p.Glu715Lys)

Gene: LAS1L (LAS1 like ribosome biogenesis factor; minus strand). Cytogenetic location: Xq12.
Variant type: single nucleotide variant.
Coding change: c.2143G>A on transcript NM_031206.7 (MANE Select); coding-DNA position 2143, G replaced by A.
Protein change: p.Glu715Lys; replaces glutamic acid 715 with lysine.
Molecular consequence: missense variant. On other transcripts: non-coding transcript variant (1).
Genome position (GRCh38, 1-based): chrX:65,512,837, C>T on the plus strand (G>A on the coding strand, the complement: LAS1L is on the minus strand). VCF-style: chrX-65512837-C-T. GRCh37 (hg19) VCF-style: chrX-64732717-C-T.
Other names: c.2092G>A, p.Glu698Lys (NM_001170649.2); c.1966G>A, p.Glu656Lys (NM_001170650.2); c.2140G>A, p.Glu714Lys (NM_001375328.1); c.1186G>A, p.Glu396Lys (NM_001375332.1); c.2089G>A, p.Glu697Lys (NM_001375333.1); short protein forms E396K, E656K, E697K, E698K, E714K, E715K.
Identifiers: ClinVar variation 3777535 (VCV003777535.1).
Genomic context (GRCh38, chrX:65,512,837, plus strand): 5'-AGAAGAGCTGCAGGCCAGTTTTGAGCCCATGCAGCTGCCCCTGGCTCCAGAGAAGGCCCT[C>T]GAAGTTGCTGCTGCTGCTGTTGCTGCAGTTGCCACTGCCGACACCACAGCTCAGGCCCAA-3'
Protein context (NP_112483.1, residues 705-725): NCSNSSSSNF[Glu715Lys]GLLWSQGQLH